The following is an entry in ClinVar:

NM_000368.5(TSC1):c.2528A>T (p.Gln843Leu)

Gene: TSC1 (TSC complex subunit 1; minus strand). Cytogenetic location: 9q34.13.
Variant type: single nucleotide variant.
Coding change: c.2528A>T on transcript NM_000368.5 (MANE Select); coding-DNA position 2528, A replaced by T.
Protein change: p.Gln843Leu; replaces glutamine 843 with leucine.
Molecular consequence: missense variant. On other transcripts: non-coding transcript variant (5).
Genome position (GRCh38, 1-based): chr9:132,900,812, T>A on the plus strand (A>T on the coding strand, the complement: TSC1 is on the minus strand). VCF-style: chr9-132900812-T-A. GRCh37 (hg19) VCF-style: chr9-135776199-T-A.
Other names: c.2525A>T, p.Gln842Leu (NM_001162426.2, NM_001406597.1, NM_001406598.1 and 2 more transcripts); c.2375A>T, p.Gln792Leu (NM_001162427.2, NM_001406610.1); c.2165A>T, p.Gln722Leu (NM_001362177.2, NM_001406618.1, NM_001406619.1 and 4 more transcripts); c.2528A>T, p.Gln843Leu (NM_001406592.1, NM_001406593.1, NM_001406594.1 and 2 more transcripts); c.2513A>T, p.Gln838Leu (NM_001406601.1, NM_001406602.1); c.2510A>T, p.Gln837Leu (NM_001406603.1, NM_001406604.1); c.2486A>T, p.Gln829Leu (NM_001406605.1, NM_001406606.1, NM_001406607.1); c.2162A>T, p.Gln721Leu (NM_001406620.1, NM_001406621.1, NM_001406622.1 and 1 more transcripts); and 8 more; short protein forms Q708L, Q842L, Q707L, Q722L, Q792L, Q492L, Q526L, Q721L.
Identifiers: ClinVar variation 4192069 (VCV004192069.1).

ClinVar aggregate classification (germline): Uncertain significance (1 of 4 stars; one submission).

Conditions:
Hereditary cancer-predisposing syndrome. Also called: Neoplastic Syndromes, Hereditary; Tumor predisposition; Hereditary Cancer Syndrome; Hereditary neoplastic syndrome. Identifiers: Orphanet 140162, MedGen C0027672, MeSH D009386, MONDO:0015356.

Submission:

Ambry Genetics
Classification: Uncertain significance for Hereditary cancer-predisposing syndrome. Last evaluated: 2025-07-06. Review status: criteria provided, single submitter. Criteria: Ambry Variant Classification Scheme 2023. Collection method: clinical testing. Allele origin: germline.
Comment: The p.Q843L variant (also known as c.2528A>T), located in coding exon 18 of the TSC1 gene, results from an A to T substitution at nucleotide position 2528. The glutamine at codon 843 is replaced by leucine, an amino acid with dissimilar properties. This amino acid position is conserved. In addition, the in silico prediction for this alteration is inconclusive. Based on the available evidence, the clinical significance of this variant remains unclear.